The following is an entry in ClinVar:

NM_022042.4(SLC26A1):c.829G>A (p.Ala277Thr)

Genes: IDUA (alpha-L-iduronidase; plus strand), SLC26A1 (solute carrier family 26 member 1; minus strand). Cytogenetic location: 4p16.3.
Variant type: single nucleotide variant.
Coding change: c.829G>A on transcript NM_022042.4 (MANE Select); coding-DNA position 829, G replaced by A.
Protein change: p.Ala277Thr; replaces alanine 277 with threonine.
Molecular consequence: missense variant. On other transcripts: intron variant (2).
Genome position (GRCh38, 1-based): chr4:990,110, C>T on the plus strand (G>A on the coding strand, the complement: SLC26A1 is on the minus strand). VCF-style: chr4-990110-C-T. GRCh37 (hg19) VCF-style: chr4-983898-C-T.
Other names: p.Ala277Thr; c.829G>A, p.Ala277Thr (NM_213613.4); c.576+1018G>A (NM_134425.4); c.299+2161C>T (NM_000203.5); short protein forms A277T.
Identifiers: ClinVar variation 778135 (VCV000778135.12), dbSNP rs144938228, ClinGen allele CA2801533.

ClinVar aggregate classification (germline): Benign. Review status: criteria provided, multiple submitters, no conflicts (2 of 4 stars). 3 submissions from 3 submitters: Benign (3). Last evaluated 2026-02-01.

Allele frequency attached by ClinVar (database versions not stated): TOPMed 0.01501; 1000 Genomes Project 30x 0.01608; gnomAD exomes 0.00126 and 0.00302; ExAC 0.00707; gnomAD 0.01344 and 0.01443; ESP Exome Variant Server 0.01440; 1000 Genomes Project 0.01498.
gnomAD v4.1: 3,914 of 1,586,116 alleles (0.25%); highest among the groups gnomAD compares: African/African-American, 4.7%; 107 homozygotes.

Submissions (3):

Labcorp Genetics (formerly Invitae), Labcorp
Classification: Benign. Last evaluated: 2026-02-01. Review status: criteria provided, single submitter. Criteria: Invitae Variant Classification Sherloc (09022015). Collection method: clinical testing. Allele origin: germline.

Mayo Clinic Laboratories, Mayo Clinic
Classification: Benign. Last evaluated: 2025-09-09. Review status: criteria provided, single submitter. Criteria: ACMG Guidelines, 2015. Collection method: clinical testing. Allele origin: germline. Observed: 3 variant alleles.
Comment: BS1, BS2, BP4

Breakthrough Genomics
Classification: Benign. Review status: criteria provided, single submitter. Criteria: ACMG Guidelines, 2015. Collection method: not provided. Allele origin: germline. Inheritance: Autosomal recessive inheritance. Affected: yes.